The following is an entry in ClinVar:

ClinVar aggregate classification (germline): Uncertain significance (1 of 4 stars; one submission).

gnomAD v4.1: 1 of 1,614,144 alleles (0.000062%); highest among the groups gnomAD compares: Admixed American, 0.0017%; no homozygotes.

Submission:

Laboratory for Molecular Medicine, Mass General Brigham Personalized Medicine
Classification: Uncertain significance. Last evaluated: 2015-02-26. Review status: criteria provided, single submitter. Criteria: LMM Criteria. Collection method: clinical testing. Allele origin: germline. Observed: 1 variant allele.
Comment: The p.Asn634Lys variant in TMC1 has not been previously reported in individuals with hearing loss or in large population studies. Asparagine (Asn) at position 6 34 is not conserved in mammals and 1 mammal (Pacific walrus) carries a lysine (L ys), raising the possibility that this change may be tolerated. Additional comp utational prediction tools do not provide strong support for or against an impac t to the protein. In summary, the clinical significance of the p.Asn634Lys varia nt is uncertain.

NM_138691.3(TMC1):c.1902C>G (p.Asn634Lys)

Gene: TMC1 (transmembrane channel like 1; plus strand). Cytogenetic location: 9q21.13.
Variant type: single nucleotide variant.
Coding change: c.1902C>G on transcript NM_138691.3 (MANE Select); coding-DNA position 1902, C replaced by G.
Protein change: p.Asn634Lys; replaces asparagine 634 with lysine.
Molecular consequence: missense variant.
Genome position (GRCh38, 1-based): chr9:72,820,980, C>G. VCF-style: chr9-72820980-C-G. GRCh37 (hg19) VCF-style: chr9-75435896-C-G.
Other names: short protein forms N634K.
Identifiers: ClinVar variation 229318 (VCV000229318.5), dbSNP rs767285617, ClinGen allele CA10576756.
Genomic context (GRCh38, chr9:72,820,980, plus strand): 5'-GGCCGTTATGTGCTGCAATGTTCCTGAGGCCAGGGTCTTCAAAGCTTCCAGATCAAATAA[C>G]TTCTACCTGGGCATGCTACTGCTCATCCTCTTCCTGTCCACAATGCCTGTCTTGTACATG-3'
Protein context (NP_619636.2, residues 624-644): ARVFKASRSN[Asn634Lys]FYLGMLLLIL